The following is an entry in ClinVar:

ClinVar aggregate classification (germline): Uncertain significance. Review status: criteria provided, multiple submitters, no conflicts (2 of 4 stars). 3 submissions from 3 submitters: Uncertain significance (3). Last evaluated 2024-10-19.

Conditions:
Inborn genetic diseases. Identifiers: MedGen C0950123, MeSH D030342.
3-methylglutaconic aciduria, type VIIB (MGCA7B). Also called: 3-methylglutaconic aciduria with cataracts, neurologic involvement and neutropenia; 3-methylglutaconic aciduria, type VII, with cataracts, neurologic involvement and neutropenia; CLPB Deficiency. Identifiers: Orphanet 445038, MedGen C5676893, MONDO:0014561, OMIM 616271.

Allele frequency attached by ClinVar (database versions not stated): gnomAD 0.00001; gnomAD exomes 0.00001; TOPMed 0.00001.
gnomAD v4.1: 7 of 1,613,472 alleles (0.00043%); highest among the groups gnomAD compares: South Asian, 0.0011%; no homozygotes.

Submissions (3):

Ambry Genetics
Classification: Uncertain significance for Inborn genetic diseases. Last evaluated: 2024-10-19. Review status: criteria provided, single submitter. Criteria: Ambry Variant Classification Scheme 2023. Collection method: clinical testing. Allele origin: germline.

Labcorp Genetics (formerly Invitae), Labcorp
Classification: Uncertain significance for 3-methylglutaconic aciduria, type VIIB. Last evaluated: 2023-07-07. Review status: criteria provided, single submitter. Criteria: Invitae Variant Classification Sherloc (09022015). Collection method: clinical testing. Allele origin: germline.
Comment: Algorithms developed to predict the effect of missense changes on protein structure and function output the following: SIFT: "Not Available"; PolyPhen-2: "Benign"; Align-GVGD: "Not Available". The serine amino acid residue is found in multiple mammalian species, which suggests that this missense change does not adversely affect protein function. In summary, the available evidence is currently insufficient to determine the role of this variant in disease. Therefore, it has been classified as a Variant of Uncertain Significance. ClinVar contains an entry for this variant (Variation ID: 1029982). This variant has not been reported in the literature in individuals affected with CLPB-related conditions. This variant is present in population databases (no rsID available, gnomAD 0.007%). This sequence change replaces threonine, which is neutral and polar, with serine, which is neutral and polar, at codon 87 of the CLPB protein (p.Thr87Ser).

Baylor Genetics
Classification: Uncertain significance for 3-methylglutaconic aciduria, type VIIB. Last evaluated: 2019-04-10. Review status: criteria provided, single submitter. Criteria: ACMG Guidelines, 2015. Collection method: clinical testing. Allele origin: maternal. Affected: yes.
Comment: This variant was determined to be of uncertain significance according to ACMG Guidelines, 2015 [PMID:25741868].

NM_001258392.3(CLPB):c.259A>T (p.Thr87Ser)

Genes: CLPB (ClpB family mitochondrial disaggregase; minus strand), LOC130006336 (ATAC-STARR-seq lymphoblastoid active region 5191; plus strand). Cytogenetic location: 11q13.4.
Variant type: single nucleotide variant.
Coding change: c.259A>T on transcript NM_001258392.3 (MANE Select); coding-DNA position 259, A replaced by T.
Protein change: p.Thr87Ser; replaces threonine 87 with serine.
Molecular consequence: missense variant.
Genome position (GRCh38, 1-based): chr11:72,434,216, T>A on the plus strand (A>T on the coding strand, the complement: CLPB is on the minus strand). VCF-style: chr11-72434216-T-A. GRCh37 (hg19) VCF-style: chr11-72145260-T-A.
Other names: c.259A>T, p.Thr87Ser (NM_001258393.3, NM_030813.6); c.17A>T, p.His6Leu (NM_001258394.3); c.259A>T (NM_030813.3); short protein forms H6L, T87S.
Identifiers: ClinVar variation 1029982 (VCV001029982.10), dbSNP rs960976552, ClinGen allele CA224518490.